The following is an entry in ClinVar:

ClinVar aggregate classification (germline): Uncertain significance (1 of 4 stars; one submission).

Conditions:
Cleidocranial dysostosis (CLCD1). Also called: Cleidocranial Dysplasia Spectrum Disorder; cleidocranial dysplasia 1; Marie-Sainton disease. Identifiers: Orphanet 1452, MedGen C0008928, MONDO:0007340, OMIM 119600.

gnomAD v4.1: 2 of 1,547,528 alleles (0.00013%); highest among the groups gnomAD compares: African/African-American, 0.0014%; no homozygotes.

Submission:

3billion
Classification: Uncertain significance for Cleidocranial dysostosis. Last evaluated: 2025-06-25. Review status: criteria provided, single submitter. Criteria: ACMG Guidelines, 2015. Collection method: clinical testing. Allele origin: germline. Affected: yes.
Comment: The variant is observed at an extremely low frequency in the gnomAD v4.1.0 dataset (total allele frequency: 0.001%). Predicted Consequence/Location: Canonical splice site: predicted to alter splicing and result in a loss or disruption of normal protein function. The predicted truncated protein may be shortened by less than 10%. In silico tools predict the variant to alter splicing and produce an abnormal transcript [SpliceAI: 0.82 (spliceogenicity >=0.2, non-spliceogenicity <0.1)]. Therefore, this variant is classified as VUS according to the recommendation of ACMG/AMP guideline.

NM_001024630.4(RUNX2):c.1087+1G>A

Gene: RUNX2 (RUNX family transcription factor 2; plus strand). Cytogenetic location: 6p21.1.
Variant type: single nucleotide variant.
Coding change: c.1087+1G>A on transcript NM_001024630.4 (MANE Select); the canonical splice donor site of the intron after coding-DNA position 1087, G replaced by A.
Molecular consequence: splice donor variant. On other transcripts: intron variant (2).
Genome position (GRCh38, 1-based): chr6:45,545,283, G>A. VCF-style: chr6-45545283-G-A. GRCh37 (hg19) VCF-style: chr6-45513020-G-A.
Other names: c.1022-1544G>A (NM_001015051.4); c.1045+1G>A (NM_001369405.1); c.980-1544G>A (NM_001278478.2).
Identifiers: ClinVar variation 4854005 (VCV004854005.1).
Genomic context (GRCh38, chr6:45,545,283, plus strand): 5'-ACACTGCCACCTCTGACTTCTGCCTCTGGCCTTCCACTCTCAGTAAGAAGAGCCAGGCAG[G>A]TGAGACTTTTAACAATTGCTGGGCTGGGCAGGGCTGGGCTGGGCTGGGCTGTCTGGTTGT-3'